The following is an entry in ClinVar:

ClinVar aggregate classification (germline): Uncertain significance. Review status: criteria provided, multiple submitters, no conflicts (2 of 4 stars). 4 submissions from 4 submitters: Uncertain significance (3). 1 of the submissions does not count toward it. Last evaluated 2025-06-03.

Conditions:
Inborn genetic diseases. Identifiers: MedGen C0950123, MeSH D030342.
Retinitis pigmentosa (RP). Identifiers: Orphanet 791, MedGen C0035334, MeSH D012174, MONDO:0019200, OMIM 268000. Inheritance: Autosomal dominant, autosomal recessive and X linked inheritance.

Allele frequency attached by ClinVar (database versions not stated): gnomAD 0.00003 and 0.00004; TOPMed 0.00004; ExAC 0.00008.
gnomAD v4.1: 34 of 1,613,798 alleles (0.0021%); highest among the groups gnomAD compares: African/African-American, 0.011%; no homozygotes.

Submissions (4):

Ambry Genetics
Classification: Uncertain significance for Inborn genetic diseases. Last evaluated: 2025-06-03. Review status: criteria provided, single submitter. Criteria: Ambry Variant Classification Scheme 2023. Collection method: clinical testing. Allele origin: germline.

Labcorp Genetics (formerly Invitae), Labcorp
Classification: Uncertain significance. Last evaluated: 2022-05-08. Review status: criteria provided, single submitter. Criteria: Invitae Variant Classification Sherloc (09022015). Collection method: clinical testing. Allele origin: germline.
Comment: In summary, the available evidence is currently insufficient to determine the role of this variant in disease. Therefore, it has been classified as a Variant of Uncertain Significance. This sequence change replaces valine, which is neutral and non-polar, with isoleucine, which is neutral and non-polar, at codon 1634 of the KIAA1549 protein (p.Val1634Ile). This variant is present in population databases (rs750742481, gnomAD 0.03%). This variant has not been reported in the literature in individuals affected with KIAA1549-related conditions. Algorithms developed to predict the effect of missense changes on protein structure and function are either unavailable or do not agree on the potential impact of this missense change (SIFT: "Deleterious"; PolyPhen-2: "Probably Damaging"; Align-GVGD: "Class C0").

Blueprint Genetics
Classification: Uncertain significance. Last evaluated: 2021-09-23. Review status: criteria provided, single submitter. Criteria: ACMG Guidelines, 2015. Collection method: clinical testing. Allele origin: germline.

Gen-Eye Clinic, Grow Research Laboratory, Narayana Nethralaya
Classification: Uncertain significance for Retinitis pigmentosa. Last evaluated: 2024-10-14. Review status: no assertion criteria provided. Collection method: clinical testing. Allele origin: germline. Affected: yes. Not counted in ClinVar's aggregate classification.

NM_001164665.2(KIAA1549):c.4900G>A (p.Val1634Ile)

Gene: KIAA1549 (KIAA1549; minus strand). Cytogenetic location: 7q34.
Variant type: single nucleotide variant.
Coding change: c.4900G>A on transcript NM_001164665.2 (MANE Select); coding-DNA position 4900, G replaced by A.
Protein change: p.Val1634Ile; replaces valine 1634 with isoleucine.
Molecular consequence: missense variant.
Genome position (GRCh38, 1-based): chr7:138,868,004, C>T on the plus strand (G>A on the coding strand, the complement: KIAA1549 is on the minus strand). VCF-style: chr7-138868004-C-T. GRCh37 (hg19) VCF-style: chr7-138552750-C-T.
Other names: c.4900G>A, p.Val1634Ile (NM_020910.3); c.4900G>A (NM_001164665.1); short protein forms V1634I.
Identifiers: ClinVar variation 1437714 (VCV001437714.9), dbSNP rs750742481, ClinGen allele CA4505723.